The following is an entry in ClinVar:

ClinVar aggregate classification (germline): Uncertain significance (1 of 4 stars; one submission).

Conditions:
Inborn genetic diseases. Identifiers: MedGen C0950123, MeSH D030342.

gnomAD v4.1: 1 of 1,614,032 alleles (0.000062%); highest among the groups gnomAD compares: Non-Finnish European, 0.000085%; no homozygotes.

Submission:

Ambry Genetics
Classification: Uncertain significance for Inborn genetic diseases. Last evaluated: 2026-03-24. Review status: criteria provided, single submitter. Criteria: Ambry Variant Classification Scheme 2023. Collection method: clinical testing. Allele origin: germline.
Comment: The p.G689S variant (also known as c.2065G>A), located in coding exon 23 of the FANCA gene, results from a G to A substitution at nucleotide position 2065. The glycine at codon 689 is replaced by serine, an amino acid with similar properties. This amino acid position is conserved. In addition, this alteration is predicted to be tolerated by in silico analysis. Based on the available evidence, the clinical significance of this variant remains unclear.

NM_000135.4(FANCA):c.2065G>A (p.Gly689Ser)

Gene: FANCA (FA complementation group A; minus strand). Cytogenetic location: 16q24.3.
Variant type: single nucleotide variant.
Coding change: c.2065G>A on transcript NM_000135.4 (MANE Select); coding-DNA position 2065, G replaced by A.
Protein change: p.Gly689Ser; replaces glycine 689 with serine.
Molecular consequence: missense variant.
Genome position (GRCh38, 1-based): chr16:89,771,764, C>T on the plus strand (G>A on the coding strand, the complement: FANCA is on the minus strand). VCF-style: chr16-89771764-C-T. GRCh37 (hg19) VCF-style: chr16-89838172-C-T.
Other names: c.2065G>A, p.Gly689Ser (NM_001286167.3); short protein forms G689S.
Identifiers: ClinVar variation 4870801 (VCV004870801.1).